The following is an entry in ClinVar:

ClinVar aggregate classification (germline): Uncertain significance (1 of 4 stars; one submission).

Submission:

GeneDx
Classification: Uncertain significance. Last evaluated: 2026-01-29. Review status: criteria provided, single submitter. Criteria: GeneDx Variant Classification Process June 2021. Collection method: clinical testing. Allele origin: germline.
Comment: Not observed at significant frequency in large population cohorts (gnomAD); In silico analysis suggests that this missense variant does not alter protein structure/function; Has not been previously published as pathogenic or benign to our knowledge

NM_016604.4(KDM3B):c.3922C>A (p.Pro1308Thr)

Gene: KDM3B (lysine demethylase 3B; plus strand). Cytogenetic location: 5q31.2.
Variant type: single nucleotide variant.
Coding change: c.3922C>A on transcript NM_016604.4 (MANE Select); coding-DNA position 3922, C replaced by A.
Protein change: p.Pro1308Thr; replaces proline 1308 with threonine.
Molecular consequence: missense variant.
Genome position (GRCh38, 1-based): chr5:138,420,912, C>A. VCF-style: chr5-138420912-C-A. GRCh37 (hg19) VCF-style: chr5-137756601-C-A.
Other names: short protein forms P1308T.
Identifiers: ClinVar variation 4975899 (VCV004975899.1).